The following is an entry in ClinVar:

ClinVar aggregate classification (germline): Uncertain significance. Review status: criteria provided, multiple submitters, no conflicts (2 of 4 stars). 2 submissions from 2 submitters: Uncertain significance (2). Last evaluated 2025-10-10.

Conditions:
KDM6B-related disorder. Also called: KDM6B-related condition.
Inborn genetic diseases. Identifiers: MedGen C0950123, MeSH D030342.

Allele frequency attached by ClinVar (database versions not stated): gnomAD 0.00008; gnomAD exomes 0.00020.

Submissions (2):

PreventionGenetics, part of Exact Sciences
Classification: Uncertain significance for KDM6B-related condition. Last evaluated: 2025-10-10. Review status: criteria provided, single submitter. Criteria: ACMG Guidelines, 2015. Collection method: clinical testing. Allele origin: germline.
Comment: The KDM6B c.1484G>A variant is predicted to result in the amino acid substitution p.Arg495Gln. This variant was reported to occur de novo in an individual with an autism phenotype (SPARK Cohort, Supplementary Table 2, Zhou et al. 2022. PubMed ID: 35982159). This variant is reported in 0.0043% of alleles in individuals of South Asian descent in gnomAD. In gnomAD v4, which reports variants in hg38, this variant has ben reported in 252 heterozygous individuals, which is higher than expected for a pathogenic variant associated with an autism phenotype. At this time, the clinical significance of this variant is uncertain due to the absence of conclusive functional and genetic evidence.

Ambry Genetics
Classification: Uncertain significance for Inborn genetic diseases. Last evaluated: 2021-10-06. Review status: criteria provided, single submitter. Criteria: Ambry Variant Classification Scheme 2023. Collection method: clinical testing. Allele origin: germline.

NM_001348716.2(KDM6B):c.1484G>A (p.Arg495Gln)

Gene: KDM6B (lysine demethylase 6B; plus strand). Cytogenetic location: 17p13.1.
Variant type: single nucleotide variant.
Coding change: c.1484G>A on transcript NM_001348716.2 (MANE Select); coding-DNA position 1484, G replaced by A.
Protein change: p.Arg495Gln; replaces arginine 495 with glutamine.
Molecular consequence: missense variant.
Genome position (GRCh38, 1-based): chr17:7,847,772, G>A. VCF-style: chr17-7847772-G-A. GRCh37 (hg19) VCF-style: chr17-7751090-G-A.
Other names: c.1484G>A, p.Arg495Gln (NM_001080424.2); short protein forms R495Q.
Identifiers: ClinVar variation 2399425 (VCV002399425.3), dbSNP rs760915000, ClinGen allele CA8360665.